The following is an entry in ClinVar:

NM_006080.3(SEMA3A):c.333+2T>C

Gene: SEMA3A (semaphorin 3A; minus strand). Cytogenetic location: 7q21.11.
Variant type: single nucleotide variant.
Coding change: c.333+2T>C on transcript NM_006080.3 (MANE Select); the canonical splice donor site of the intron after coding-DNA position 333, T replaced by C.
Molecular consequence: splice donor variant.
Genome position (GRCh38, 1-based): chr7:84,129,121, A>G on the plus strand (T>C on the coding strand, the complement: SEMA3A is on the minus strand). VCF-style: chr7-84129121-A-G. GRCh37 (hg19) VCF-style: chr7-83758437-A-G.
Identifiers: ClinVar variation 3255611 (VCV003255611.2).

ClinVar aggregate classification (germline): Likely pathogenic (1 of 4 stars; one submission).

Conditions:
Hypogonadotropic hypogonadism 16 with or without anosmia (HH16). Also called: HYPOGONADOTROPIC HYPOGONADISM 16 WITH ANOSMIA, SUSCEPTIBILITY TO. Identifiers: Orphanet 478, MedGen C3554021, MONDO:0013961, OMIM 614897.

Submission:

Breakthrough Genomics
Classification: Likely pathogenic for Hypogonadotropic hypogonadism 16 with or without anosmia. Last evaluated: 2021-05-20. Review status: criteria provided, single submitter. Criteria: ACMG Guidelines, 2015. Collection method: clinical testing. Allele origin: germline. Affected: yes.
Comment: This variant lies in the essential splice donor, in intron 3 of the SEMA3A gene and in-silico splice prediction tools (ASSP and NNSPLICE) suggest that this variant might affect splicing due to the loss of constitutive donor splice site and introduction of a new splice site, which in turn might lead to a frameshift and consequent premature termination of the protein; this will likely result in loss-of-function (LOF). It was previously reported that LOF is a known mechanism for the causing the disease in this gene [PMID: 22927827, 22416012]. The variant seems to be a novel variant, as it has not been previously reported in population or public databases or in the literature. In addition, functional studies revealed that knockout mice lacking SEMA3A gene are prone to ventricular arrhythmias and sudden cardiac death indicating its role in cardiovascular development [PMID: 24963029, 29776958].